The following is an entry in ClinVar:

ClinVar aggregate classification (germline): Uncertain significance. Review status: criteria provided, multiple submitters, no conflicts (2 of 4 stars). 2 submissions from 2 submitters: Uncertain significance (2). Last evaluated 2025-10-26.

Conditions:
Inborn genetic diseases. Identifiers: MedGen C0950123, MeSH D030342.

gnomAD v4.1: 5 of 1,612,590 alleles (0.00031%); highest among the groups gnomAD compares: Non-Finnish European, 0.00042%; no homozygotes.

Submissions (2):

Labcorp Genetics (formerly Invitae), Labcorp
Classification: Uncertain significance. Last evaluated: 2025-10-26. Review status: criteria provided, single submitter. Criteria: Invitae Variant Classification Sherloc (09022015). Collection method: clinical testing. Allele origin: germline.
Comment: This sequence change replaces alanine, which is neutral and non-polar, with valine, which is neutral and non-polar, at codon 1383 of the COL11A1 protein (p.Ala1383Val). This variant is not present in population databases (gnomAD no frequency). This variant has not been reported in the literature in individuals affected with COL11A1-related conditions. ClinVar contains an entry for this variant (Variation ID: 3495031). Invitae Evidence Modeling of protein sequence and biophysical properties (such as structural, functional, and spatial information, amino acid conservation, physicochemical variation, residue mobility, and thermodynamic stability) indicates that this missense variant is not expected to disrupt COL11A1 protein function with a negative predictive value of 80%. In summary, the available evidence is currently insufficient to determine the role of this variant in disease. Therefore, it has been classified as a Variant of Uncertain Significance.

Ambry Genetics
Classification: Uncertain significance for Inborn genetic diseases. Last evaluated: 2024-08-21. Review status: criteria provided, single submitter. Criteria: Ambry Variant Classification Scheme 2023. Collection method: clinical testing. Allele origin: germline.

NM_001854.4(COL11A1):c.4148C>T (p.Ala1383Val)

Gene: COL11A1 (collagen type XI alpha 1 chain; minus strand). Cytogenetic location: 1p21.1.
Variant type: single nucleotide variant.
Coding change: c.4148C>T on transcript NM_001854.4 (MANE Select); coding-DNA position 4148, C replaced by T.
Protein change: p.Ala1383Val; replaces alanine 1383 with valine.
Molecular consequence: missense variant. On other transcripts: non-coding transcript variant (1).
Genome position (GRCh38, 1-based): chr1:102,898,766, G>A on the plus strand (C>T on the coding strand, the complement: COL11A1 is on the minus strand). VCF-style: chr1-102898766-G-A. GRCh37 (hg19) VCF-style: chr1-103364322-G-A.
Other names: c.4031C>T, p.Ala1344Val (NM_001190709.2); c.4184C>T, p.Ala1395Val (NM_080629.3); c.3800C>T, p.Ala1267Val (NM_080630.4); short protein forms A1267V, A1344V, A1383V, A1395V.
Identifiers: ClinVar variation 3495031 (VCV003495031.2).